The following is an entry in ClinVar:

ClinVar aggregate classification (germline): Uncertain significance (1 of 4 stars; one submission).

Submission:

Labcorp Genetics (formerly Invitae), Labcorp
Classification: Uncertain significance. Last evaluated: 2023-11-13. Review status: criteria provided, single submitter. Criteria: Invitae Variant Classification Sherloc (09022015). Collection method: clinical testing. Allele origin: germline.
Comment: This sequence change replaces methionine, which is neutral and non-polar, with arginine, which is basic and polar, at codon 443 of the FN1 protein (p.Met443Arg). This variant is not present in population databases (gnomAD no frequency). This variant has not been reported in the literature in individuals affected with FN1-related conditions. Advanced modeling of protein sequence and biophysical properties (such as structural, functional, and spatial information, amino acid conservation, physicochemical variation, residue mobility, and thermodynamic stability) has been performed at Invitae for this missense variant, however the output from this modeling did not meet the statistical confidence thresholds required to predict the impact of this variant on FN1 protein function. In summary, the available evidence is currently insufficient to determine the role of this variant in disease. Therefore, it has been classified as a Variant of Uncertain Significance.

NM_212482.4(FN1):c.1328T>G (p.Met443Arg)

Genes: FN1 (fibronectin 1; minus strand), LOC126806498 (CDK7 strongly-dependent group 2 enhancer GRCh37_chr2:216288045-216289244; plus strand). Cytogenetic location: 2q35.
Variant type: single nucleotide variant.
Coding change: c.1328T>G on transcript NM_212482.4 (MANE Select); coding-DNA position 1328, T replaced by G.
Protein change: p.Met443Arg; replaces methionine 443 with arginine.
Molecular consequence: missense variant.
Genome position (GRCh38, 1-based): chr2:215,423,415, A>C on the plus strand (T>G on the coding strand, the complement: FN1 is on the minus strand). VCF-style: chr2-215423415-A-C. GRCh37 (hg19) VCF-style: chr2-216288138-A-C.
Other names: c.1328T>G, p.Met443Arg (NM_212476.3, NM_212478.3, NM_001306129.2 and 14 more transcripts); short protein forms M443R.
Identifiers: ClinVar variation 2695573 (VCV002695573.3), dbSNP rs1366885306, ClinGen allele CA350470264.